The following is an entry in ClinVar:

ClinVar aggregate classification (germline): Uncertain significance (1 of 4 stars; one submission).

Allele frequency attached by ClinVar (database versions not stated): gnomAD 0.00002; TOPMed 0.00002; ExAC 0.00004.
gnomAD v4.1: 32 of 1,613,664 alleles (0.002%); highest among the groups gnomAD compares: African/African-American, 0.004%; no homozygotes.

Submission:

Labcorp Genetics (formerly Invitae), Labcorp
Classification: Uncertain significance. Last evaluated: 2024-06-03. Review status: criteria provided, single submitter. Criteria: Invitae Variant Classification Sherloc (09022015). Collection method: clinical testing. Allele origin: germline.
Comment: This sequence change replaces arginine, which is basic and polar, with histidine, which is basic and polar, at codon 384 of the SEPT9 protein (p.Arg384His). This variant is present in population databases (rs756011135, gnomAD 0.007%). This variant has not been reported in the literature in individuals affected with SEPT9-related conditions. ClinVar contains an entry for this variant (Variation ID: 2445524). Advanced modeling of protein sequence and biophysical properties (such as structural, functional, and spatial information, amino acid conservation, physicochemical variation, residue mobility, and thermodynamic stability) performed at Invitae indicates that this missense variant is not expected to disrupt SEPT9 protein function with a negative predictive value of 80%. In summary, the available evidence is currently insufficient to determine the role of this variant in disease. Therefore, it has been classified as a Variant of Uncertain Significance.

NM_001113491.2(SEPTIN9):c.1205G>A (p.Arg402His)

Gene: SEPTIN9 (septin 9; plus strand). Cytogenetic location: 17q25.3.
Variant type: single nucleotide variant.
Coding change: c.1205G>A on transcript NM_001113491.2 (MANE Select); coding-DNA position 1205, G replaced by A.
Protein change: p.Arg402His; replaces arginine 402 with histidine.
Molecular consequence: missense variant.
Genome position (GRCh38, 1-based): chr17:77,488,807, G>A. VCF-style: chr17-77488807-G-A. GRCh37 (hg19) VCF-style: chr17-75484889-G-A.
Other names: c.713G>A, p.Arg238His (NM_001113492.2, NM_001113494.1); c.1184G>A, p.Arg395His (NM_001113493.2); c.452G>A, p.Arg151His (NM_001113495.2, NM_001113496.2, NM_001293697.2 and 1 more transcripts); c.1148G>A, p.Arg383His (NM_001293695.2); c.533G>A, p.Arg178His (NM_001293696.2); c.1151G>A, p.Arg384His (NM_006640.5); short protein forms R151H, R178H, R238H, R383H, R384H, R395H, R402H.
Identifiers: ClinVar variation 2445524 (VCV002445524.4), dbSNP rs756011135, ClinGen allele CA8793712.